The following is an entry in ClinVar:

ClinVar aggregate classification (germline): Benign (1 of 4 stars; one submission).

Conditions:
Familial cancer of breast. Also called: Hereditary breast cancer; BREAST CANCER, FAMILIAL; hereditary breast carcinoma. Identifiers: Orphanet 227535, MedGen C0346153, MONDO:0016419, OMIM 114480. Disease mechanism: loss of function.

Submission:

Myriad Genetics, Inc.
Classification: Benign for Familial cancer of breast. Last evaluated: 2024-10-01. Review status: criteria provided, single submitter. Criteria: Myriad Autosomal Dominant, Autosomal Recessive and X-Linked Classification Criteria (2023). Collection method: clinical testing. Allele origin: unknown.
Comment: This variant is considered benign. This variant is a silent/synonymous amino acid change and it is not expected to impact splicing.

NM_007194.4(CHEK2):c.147C>G (p.Ser49=)

Gene: CHEK2 (checkpoint kinase 2; minus strand). Cytogenetic location: 22q12.1.
Variant type: single nucleotide variant.
Coding change: c.147C>G on transcript NM_007194.4 (MANE Select); coding-DNA position 147, C replaced by G.
Protein change: p.Ser49=; no amino-acid change (serine 49 retained).
Molecular consequence: synonymous variant.
Genome position (GRCh38, 1-based): chr22:28,734,575, G>C on the plus strand (C>G on the coding strand, the complement: CHEK2 is on the minus strand). VCF-style: chr22-28734575-G-C. GRCh37 (hg19) VCF-style: chr22-29130563-G-C.
Other names: c.147C>G, p.Ser49= (NM_001005735.3, NM_001349956.3, NM_145862.3); c.-631C>G (NM_001257387.3).
Identifiers: ClinVar variation 3772933 (VCV003772933.1).
Genomic context (GRCh38, chr22:28,734,575, plus strand): 5'-CTGAGTGGACACTGTCTCTAAGGAGCTCAGTGTCCCAGAGCTGGAGTGAGAGGACTGGCT[G>C]GAGTTTGGCATCGTGCTGGTAGAGGAGCTGGATATGCCCTGGGACTGTGAGGAGGAGCCT-3'
Protein context (NP_009125.1, residues 39-59): SSSSTSTMPN[Ser49=]SQSSHSSSGT